The following is an entry in ClinVar:

NM_001144967.3(NEDD4L):c.2147T>A (p.Val716Asp)

Gene: NEDD4L (NEDD4 like E3 ubiquitin protein ligase; plus strand). Cytogenetic location: 18q21.31.
Variant type: single nucleotide variant.
Coding change: c.2147T>A on transcript NM_001144967.3 (MANE Select); coding-DNA position 2147, T replaced by A.
Protein change: p.Val716Asp; replaces valine 716 with aspartic acid.
Molecular consequence: missense variant.
Genome position (GRCh38, 1-based): chr18:58,367,829, T>A. VCF-style: chr18-58367829-T-A. GRCh37 (hg19) VCF-style: chr18-56035061-T-A.
Other names: c.1784T>A, p.Val595Asp (NM_001144964.1, NM_001144965.2, NM_001144966.3); c.2123T>A, p.Val708Asp (NM_001144968.2); c.2063T>A, p.Val688Asp (NM_001144969.2); c.1724T>A, p.Val575Asp (NM_001144970.3, NM_001144971.2); c.1955T>A, p.Val652Asp (NM_001243960.2); c.2087T>A, p.Val696Asp (NM_015277.6); short protein forms V595D, V688D, V652D, V696D, V716D, V575D, V708D.
Identifiers: ClinVar variation 3190728 (VCV003190728.2), dbSNP rs2046319462, ClinGen allele CA402549929.

ClinVar aggregate classification (germline): Uncertain significance. Review status: criteria provided, multiple submitters, no conflicts (2 of 4 stars). 2 submissions from 2 submitters: Uncertain significance (2). Last evaluated 2026-01-26.

Conditions:
Inborn genetic diseases. Identifiers: MedGen C0950123, MeSH D030342.

Submissions (2):

Labcorp Genetics (formerly Invitae), Labcorp
Classification: Uncertain significance. Last evaluated: 2026-01-26. Review status: criteria provided, single submitter. Criteria: Invitae Variant Classification Sherloc (09022015). Collection method: clinical testing. Allele origin: germline.
Comment: This sequence change replaces valine, which is neutral and non-polar, with aspartic acid, which is acidic and polar, at codon 696 of the NEDD4L protein (p.Val696Asp). This variant is not present in population databases (gnomAD no frequency). This variant has not been reported in the literature in individuals affected with NEDD4L-related conditions. ClinVar contains an entry for this variant (Variation ID: 3190728). Invitae Evidence Modeling of protein sequence and biophysical properties (such as structural, functional, and spatial information, amino acid conservation, physicochemical variation, residue mobility, and thermodynamic stability) indicates that this missense variant is not expected to disrupt NEDD4L protein function with a negative predictive value of 80%. In summary, the available evidence is currently insufficient to determine the role of this variant in disease. Therefore, it has been classified as a Variant of Uncertain Significance.

Ambry Genetics
Classification: Uncertain significance for Inborn genetic diseases. Last evaluated: 2024-01-17. Review status: criteria provided, single submitter. Criteria: Ambry Variant Classification Scheme 2023. Collection method: clinical testing. Allele origin: germline.